The following is an entry in ClinVar:

ClinVar aggregate classification (germline): Benign/Likely benign. Review status: criteria provided, multiple submitters, no conflicts (2 of 4 stars). 4 submissions from 4 submitters: Benign (1); Likely benign (3). Last evaluated 2025-06-12.

Conditions:
Hereditary cancer-predisposing syndrome. Also called: Neoplastic Syndromes, Hereditary; Hereditary neoplastic syndrome; Tumor predisposition; Hereditary Cancer Syndrome. Identifiers: Orphanet 140162, MedGen C0027672, MeSH D009386, MONDO:0015356.
Von Hippel-Lindau syndrome (VHLS). Also called: Von Hippel-Lindau; von Hippel–Lindau syndrome; VHL syndrome. Identifiers: Orphanet 892, MedGen C0019562, MONDO:0008667, OMIM 193300. Disease mechanism: loss of function.
Chuvash polycythemia. Also called: POLYCYTHEMIA, VHL-DEPENDENT. Identifiers: Orphanet 238557, MedGen C1837915, MONDO:0009892, OMIM 263400.

Allele frequency attached by ClinVar (database versions not stated): gnomAD exomes below 0.00001.
gnomAD v4.1: 1 of 1,614,046 alleles (0.000062%); highest among the groups gnomAD compares: Admixed American, 0.0017%; no homozygotes.

Submissions (4):

Myriad Genetics, Inc.
Classification: Benign for Von Hippel-Lindau syndrome. Last evaluated: 2025-06-12. Review status: criteria provided, single submitter. Criteria: Myriad Autosomal Dominant, Autosomal Recessive and X-Linked Classification Criteria (2023). Collection method: clinical testing. Allele origin: unknown.
Comment: This variant is considered benign. This variant is a silent/synonymous amino acid change and it is not expected to impact splicing.

Labcorp Genetics (formerly Invitae), Labcorp
Classification: Likely benign for Von Hippel-Lindau syndrome; Chuvash polycythemia. Last evaluated: 2025-03-23. Review status: criteria provided, single submitter. Criteria: Invitae Variant Classification Sherloc (09022015). Collection method: clinical testing. Allele origin: germline.

All of Us Research Program, National Institutes of Health
Classification: Likely benign for Von Hippel-Lindau syndrome. Last evaluated: 2024-07-20. Review status: criteria provided, single submitter. Criteria: ACMG Guidelines, 2015. Collection method: clinical testing. Allele origin: germline. Inheritance: Autosomal dominant inheritance. Observed: 1 variant allele, 1 heterozygote.
Comment: This study involves interpretation of variants in research participants for the purpose of population health screening. Participant phenotype was not available at the time of variant classification. Additional details can be found in publication PMID: 35346344, PMCID: PMC8962531

Ambry Genetics
Classification: Likely benign for Hereditary cancer-predisposing syndrome. Last evaluated: 2019-08-09. Review status: criteria provided, single submitter. Criteria: Ambry Variant Classification Scheme 2023. Collection method: clinical testing. Allele origin: germline.

NM_000551.4(VHL):c.432A>G (p.Gly144=)

Genes: VHL (von Hippel-Lindau tumor suppressor; plus strand), LOC107303340 (3p25 von Hippel-Lindau tumor suppressor, E3 ubiquitin protein ligase Alu-mediated recombination region; plus strand). Cytogenetic location: 3p25.3.
Variant type: single nucleotide variant.
Coding change: c.432A>G on transcript NM_000551.4 (MANE Select); coding-DNA position 432, A replaced by G.
Protein change: p.Gly144=; no amino-acid change (glycine 144 retained).
Molecular consequence: synonymous variant. On other transcripts: intron variant (2).
Genome position (GRCh38, 1-based): chr3:10,146,605, A>G. VCF-style: chr3-10146605-A-G. GRCh37 (hg19) VCF-style: chr3-10188289-A-G.
Other names: c.*18-3182A>G (NM_001354723.2); c.341-3182A>G (NM_198156.3).
Identifiers: ClinVar variation 766867 (VCV000766867.15), dbSNP rs1575928044, ClinGen allele CA432421888.
Genomic context (GRCh38, chr3:10,146,605, plus strand): 5'-ACACGATGGGCTTCTGGTTAACCAAACTGAATTATTTGTGCCATCTCTCAATGTTGACGG[A>G]CAGCCTATTTTTGCCAATATCACACTGCCAGGTACTGACGTTTTACTTTTTAAAAAGATA-3'
Protein context (NP_000542.1, residues 134-154): ELFVPSLNVD[Gly144=]QPIFANITLP